The following is an entry in ClinVar:

NM_001001433.3(STX16):c.569G>A (p.Arg190Gln)

Genes: STX16 (syntaxin 16; plus strand), STX16-NPEPL1 (STX16-NPEPL1 readthrough (NMD candidate); plus strand). Cytogenetic location: 20q13.32.
Variant type: single nucleotide variant.
Coding change: c.569G>A on transcript NM_001001433.3 (MANE Select); coding-DNA position 569, G replaced by A.
Protein change: p.Arg190Gln; replaces arginine 190 with glutamine.
Molecular consequence: missense variant. On other transcripts: non-coding transcript variant (4).
Genome position (GRCh38, 1-based): chr20:58,670,524, G>A. VCF-style: chr20-58670524-G-A. GRCh37 (hg19) VCF-style: chr20-57245580-G-A.
Other names: c.557G>A, p.Arg186Gln (NM_001134772.3); c.518G>A, p.Arg173Gln (NM_001134773.3); c.410G>A, p.Arg137Gln (NM_001204868.2); c.506G>A, p.Arg169Gln (NM_003763.6); short protein forms R190Q, R137Q, R173Q, R186Q, R169Q.
Identifiers: ClinVar variation 339052 (VCV000339052.15), dbSNP rs114786310, ClinGen allele CA9925369.

ClinVar aggregate classification (germline): Benign/Likely benign. Review status: criteria provided, multiple submitters, no conflicts (2 of 4 stars). 4 submissions from 4 submitters: Benign (3); Likely benign (1). Last evaluated 2026-01-18.

Conditions:
Pseudohypoparathyroidism type 1B (PHP1B). Also called: Pseudohypoparathyroidism Type IB; PHP IB; Pseudohypoparathyroidism Ib (PHP-Ib). Identifiers: Orphanet 94089, MedGen C1864100, MONDO:0011301, OMIM 603233.

Allele frequency attached by ClinVar (database versions not stated): gnomAD exomes 0.00350; ExAC 0.00438; gnomAD 0.01336 and 0.01421; 1000 Genomes Project 0.01418; 1000 Genomes Project 30x 0.01499; TOPMed 0.01510; ESP Exome Variant Server 0.01684.
gnomAD v4.1: 4,087 of 1,613,754 alleles (0.25%); highest among the groups gnomAD compares: African/African-American, 4.7%; 104 homozygotes.

Submissions (4):

Labcorp Genetics (formerly Invitae), Labcorp
Classification: Benign. Last evaluated: 2026-01-18. Review status: criteria provided, single submitter. Criteria: Invitae Variant Classification Sherloc (09022015). Collection method: clinical testing. Allele origin: germline.

Blueprint Genetics
Classification: Likely benign. Last evaluated: 2024-11-01. Review status: criteria provided, single submitter. Criteria: ACMG Guidelines, 2015. Collection method: clinical testing. Allele origin: germline.

Illumina Laboratory Services, Illumina
Classification: Benign for Pseudohypoparathyroidism type 1B. Last evaluated: 2018-01-12. Review status: criteria provided, single submitter. Criteria: ICSL Variant Classification Criteria 13 December 2019. Collection method: clinical testing. Allele origin: germline.
Comment: This variant was observed in the ICSL laboratory as part of a predisposition screen in an ostensibly healthy population. It had not been previously curated by ICSL or reported in the Human Gene Mutation Database (HGMD: prior to June 1st, 2018), and was therefore a candidate for classification through an automated scoring system. Utilizing variant allele frequency, disease prevalence and penetrance estimates, and inheritance mode, an automated score was calculated to assess if this variant is too frequent to cause the disease. Based on the score and internal cut-off values, a variant classified as benign is not then subjected to further curation. The score for this variant resulted in a classification of benign for this disease.

Breakthrough Genomics
Classification: Benign. Review status: criteria provided, single submitter. Criteria: ACMG Guidelines, 2015. Collection method: not provided. Allele origin: germline. Inheritance: Autosomal dominant inheritance. Affected: yes.